The following is an entry in ClinVar:

NM_182961.4(SYNE1):c.3254G>A (p.Cys1085Tyr)

Gene: SYNE1 (spectrin repeat containing nuclear envelope protein 1; minus strand). Cytogenetic location: 6q25.2.
Variant type: single nucleotide variant.
Coding change: c.3254G>A on transcript NM_182961.4 (MANE Select); coding-DNA position 3254, G replaced by A.
Protein change: p.Cys1085Tyr; replaces cysteine 1085 with tyrosine.
Molecular consequence: missense variant.
Genome position (GRCh38, 1-based): chr6:152,450,766, C>T on the plus strand (G>A on the coding strand, the complement: SYNE1 is on the minus strand). VCF-style: chr6-152450766-C-T. GRCh37 (hg19) VCF-style: chr6-152771901-C-T.
Other names: c.3275G>A, p.Cys1092Tyr (NM_033071.5); short protein forms C1085Y, C1092Y.
Identifiers: ClinVar variation 1716589 (VCV001716589.6), dbSNP rs745397084, ClinGen allele CA4058882.

ClinVar aggregate classification (germline): Uncertain significance (1 of 4 stars; one submission).

Conditions:
Emery-Dreifuss muscular dystrophy 4, autosomal dominant (EDMD4). Also called: EMERY-DREIFUSS MUSCULAR DYSTROPHY 4 WITH VARIABLE FEATURES. Identifiers: Orphanet 261, MedGen C2751807, MONDO:0013071, OMIM 612998.
Autosomal recessive ataxia, Beauce type. Also called: SYNE1-Related Autosomal Recessive Cerebellar Ataxia; SYNE1 Deficiency; Spinocerebellar ataxia, autosomal recessive 8; ATAXIA, RECESSIVE, OF BEAUCE. Identifiers: Orphanet 88644, MedGen C1853116, MONDO:0012549, OMIM 610743.

Allele frequency attached by ClinVar (database versions not stated): ExAC 0.00001; gnomAD 0.00001.
gnomAD v4.1: 1 of 1,613,978 alleles (0.000062%); highest among the groups gnomAD compares: Non-Finnish European, 0.000085%; no homozygotes.

Submission:

Labcorp Genetics (formerly Invitae), Labcorp
Classification: Uncertain significance for Emery-Dreifuss muscular dystrophy 4, autosomal dominant; Autosomal recessive ataxia, Beauce type. Last evaluated: 2022-11-09. Review status: criteria provided, single submitter. Criteria: Invitae Variant Classification Sherloc (09022015). Collection method: clinical testing. Allele origin: germline.
Comment: This sequence change replaces cysteine, which is neutral and slightly polar, with tyrosine, which is neutral and polar, at codon 1092 of the SYNE1 protein (p.Cys1092Tyr). This variant is not present in population databases (gnomAD no frequency). This variant has not been reported in the literature in individuals affected with SYNE1-related conditions. Algorithms developed to predict the effect of missense changes on protein structure and function are either unavailable or do not agree on the potential impact of this missense change (SIFT: "Deleterious"; PolyPhen-2: "Probably Damaging"; Align-GVGD: "Class C0"). In summary, the available evidence is currently insufficient to determine the role of this variant in disease. Therefore, it has been classified as a Variant of Uncertain Significance.